The following is an entry in ClinVar:

ClinVar aggregate classification (germline): Uncertain significance (1 of 4 stars; one submission).

gnomAD v4.1: 4 of 1,569,870 alleles (0.00025%); highest among the groups gnomAD compares: Non-Finnish European, 0.00035%; no homozygotes.

Submission:

Mayo Clinic Laboratories, Mayo Clinic
Classification: Uncertain significance. Last evaluated: 2025-05-14. Review status: criteria provided, single submitter. Criteria: ACMG Guidelines, 2015. Collection method: clinical testing. Allele origin: germline. Observed: 1 variant allele.
Comment: BP4_moderate, PM2_supporting

NM_025114.4(CEP290):c.6112A>G (p.Lys2038Glu)

Gene: CEP290 (centrosomal protein 290; minus strand). Cytogenetic location: 12q21.32.
Variant type: single nucleotide variant.
Coding change: c.6112A>G on transcript NM_025114.4 (MANE Select); coding-DNA position 6112, A replaced by G.
Protein change: p.Lys2038Glu; replaces lysine 2038 with glutamic acid.
Molecular consequence: missense variant.
Genome position (GRCh38, 1-based): chr12:88,068,545, T>C on the plus strand (A>G on the coding strand, the complement: CEP290 is on the minus strand). VCF-style: chr12-88068545-T-C. GRCh37 (hg19) VCF-style: chr12-88462322-T-C.
Other names: p.Lys2038Glu; short protein forms K2038E.
Identifiers: ClinVar variation 4541738 (VCV004541738.1).